The following is an entry in ClinVar:

NM_001001548.3(CD36):c.1086_1109dup (p.Tyr370Ter)

Gene: CD36 (CD36 molecule (CD36 blood group); plus strand). Cytogenetic location: 7q21.11.
Variant type: Duplication.
Coding change: c.1086_1109dup on transcript NM_001001548.3 (MANE Select); coding-DNA positions 1086 to 1109, 24 bases duplicated (AAATGAAGAAGAACATAGGACATA).
Protein change: p.Tyr370Ter; replaces tyrosine 370 with a stop codon.
Molecular consequence: nonsense. On other transcripts: non-coding transcript variant (1).
Genome position (GRCh38, 1-based): chr7:80,672,001-80,672,024, AAATGAAGAAGAACATAGGACATA duplicated. VCF-style (leftmost placement, unchanged base first): chr7-80672000-C-CAAATGAAGAAGAACATAGGACATA. GRCh37 (hg19) VCF-style: chr7-80301316-C-CAAATGAAGAAGAACATAGGACATA.
Other names: c.1086_1109dup, p.Tyr370Ter (NM_000072.3, NM_001001547.3, NM_001127443.2 and 5 more transcripts); c.969_992dup, p.Tyr331Ter (NM_001289908.1); c.906_929dup, p.Tyr310Ter (NM_001289909.1); c.858_881dup, p.Tyr294Ter (NM_001289911.2); c.984_1007dup, p.Tyr336Ter (NM_001371079.1); c.621_644dup, p.Tyr215Ter (NM_001371080.1, NM_001371081.1); short protein forms Y294*, Y310*, Y331*, Y336*, Y370*, Y215*.
Identifiers: ClinVar variation 1356762 (VCV001356762.6), dbSNP rs752886472, ClinGen allele CA4315584.

ClinVar aggregate classification (germline): Pathogenic (1 of 4 stars; one submission).

Allele frequency attached by ClinVar (database versions not stated): gnomAD 0.00001; gnomAD exomes 0.00001 and 0.00002; ExAC 0.00002.

Submission:

Labcorp Genetics (formerly Invitae), Labcorp
Classification: Pathogenic. Last evaluated: 2021-10-06. Review status: criteria provided, single submitter. Criteria: Invitae Variant Classification Sherloc (09022015). Collection method: clinical testing. Allele origin: germline.
Comment: For these reasons, this variant has been classified as Pathogenic. This variant has not been reported in the literature in individuals affected with CD36-related conditions. The frequency data for this variant in the population databases is considered unreliable, as metrics indicate poor data quality at this position in the ExAC database. This sequence change creates a premature translational stop signal (p.Tyr370*) in the CD36 gene. It is expected to result in an absent or disrupted protein product. Loss-of-function variants in CD36 are known to be pathogenic (PMID: 11352982, 11950861).

Literature cited by the submitters: PubMed 11352982; PubMed 11950861.